The following is an entry in ClinVar:

NM_001330691.3(CEP78):c.1754C>G (p.Pro585Arg)

Gene: CEP78 (centrosomal protein 78; plus strand). Cytogenetic location: 9q21.2.
Variant type: single nucleotide variant.
Coding change: c.1754C>G on transcript NM_001330691.3 (MANE Select); coding-DNA position 1754, C replaced by G.
Protein change: p.Pro585Arg; replaces proline 585 with arginine.
Molecular consequence: missense variant.
Genome position (GRCh38, 1-based): chr9:78,265,500, C>G. VCF-style: chr9-78265500-C-G. GRCh37 (hg19) VCF-style: chr9-80880416-C-G.
Other names: c.1757C>G, p.Pro586Arg (NM_001098802.3, NM_001349839.2, NM_001349840.2 and 1 more transcripts); c.1754C>G, p.Pro585Arg (NM_001330693.3, NM_001330694.2, NM_001349838.2); short protein forms P585R, P586R.
Identifiers: ClinVar variation 2110747 (VCV002110747.4), dbSNP rs2489535622, ClinGen allele CA373866371.

ClinVar aggregate classification (germline): Uncertain significance (1 of 4 stars; one submission).

Submission:

Labcorp Genetics (formerly Invitae), Labcorp
Classification: Uncertain significance. Last evaluated: 2024-11-05. Review status: criteria provided, single submitter. Criteria: Invitae Variant Classification Sherloc (09022015). Collection method: clinical testing. Allele origin: germline.
Comment: This sequence change replaces proline, which is neutral and non-polar, with arginine, which is basic and polar, at codon 586 of the CEP78 protein (p.Pro586Arg). This variant is not present in population databases (gnomAD no frequency). This variant has not been reported in the literature in individuals affected with CEP78-related conditions. ClinVar contains an entry for this variant (Variation ID: 2110747). Invitae Evidence Modeling of protein sequence and biophysical properties (such as structural, functional, and spatial information, amino acid conservation, physicochemical variation, residue mobility, and thermodynamic stability) indicates that this missense variant is not expected to disrupt CEP78 protein function with a negative predictive value of 80%. In summary, the available evidence is currently insufficient to determine the role of this variant in disease. Therefore, it has been classified as a Variant of Uncertain Significance.